The following is an entry in ClinVar:

ClinVar aggregate classification (germline): Uncertain significance (1 of 4 stars; one submission).

Allele frequency attached by ClinVar (database versions not stated): gnomAD exomes below 0.00001.
gnomAD v4.1: 3 of 1,609,670 alleles (0.00019%); highest among the groups gnomAD compares: Non-Finnish European, 0.00017%; no homozygotes.

Submission:

Labcorp Genetics (formerly Invitae), Labcorp
Classification: Uncertain significance. Last evaluated: 2022-12-02. Review status: criteria provided, single submitter. Criteria: Invitae Variant Classification Sherloc (09022015). Collection method: clinical testing. Allele origin: germline.
Comment: This sequence change replaces proline, which is neutral and non-polar, with alanine, which is neutral and non-polar, at codon 957 of the CLTC protein (p.Pro957Ala). This variant is not present in population databases (gnomAD no frequency). This variant has not been reported in the literature in individuals affected with CLTC-related conditions. Advanced modeling of protein sequence and biophysical properties (such as structural, functional, and spatial information, amino acid conservation, physicochemical variation, residue mobility, and thermodynamic stability) performed at Invitae indicates that this missense variant is not expected to disrupt CLTC protein function. In summary, the available evidence is currently insufficient to determine the role of this variant in disease. Therefore, it has been classified as a Variant of Uncertain Significance.

NM_004859.4(CLTC):c.2857C>G (p.Pro953Ala)

Gene: CLTC (clathrin heavy chain; plus strand). Cytogenetic location: 17q23.1.
Variant type: single nucleotide variant.
Coding change: c.2857C>G on transcript NM_004859.4 (MANE Select); coding-DNA position 2857, C replaced by G.
Protein change: p.Pro953Ala; replaces proline 953 with alanine.
Molecular consequence: missense variant.
Genome position (GRCh38, 1-based): chr17:59,679,457, C>G. VCF-style: chr17-59679457-C-G. GRCh37 (hg19) VCF-style: chr17-57756818-C-G.
Other names: c.2869C>G, p.Pro957Ala (NM_001288653.2); short protein forms P953A, P957A.
Identifiers: ClinVar variation 2800104 (VCV002800104.3), dbSNP rs2509147523, ClinGen allele CA400416429.